The following is an entry in ClinVar:

NM_206933.4(USH2A):c.5726A>T (p.Tyr1909Phe)

Genes: USH2A (usherin; minus strand), USH2A-AS2 (USH2A antisense RNA 2; plus strand). Cytogenetic location: 1q41.
Variant type: single nucleotide variant.
Coding change: c.5726A>T on transcript NM_206933.4 (MANE Select); coding-DNA position 5726, A replaced by T.
Protein change: p.Tyr1909Phe; replaces tyrosine 1909 with phenylalanine.
Molecular consequence: missense variant.
Genome position (GRCh38, 1-based): chr1:216,073,147, T>A on the plus strand (A>T on the coding strand, the complement: USH2A is on the minus strand). VCF-style: chr1-216073147-T-A. GRCh37 (hg19) VCF-style: chr1-216246489-T-A.
Other names: c.5726A>T (NM_206933.2); short protein forms Y1909F.
Identifiers: ClinVar variation 1506159 (VCV001506159.6), dbSNP rs761586978, ClinGen allele CA1395374.

ClinVar aggregate classification (germline): Uncertain significance. Review status: criteria provided, multiple submitters, no conflicts (2 of 4 stars). 4 submissions from 3 submitters: Uncertain significance (4). Last evaluated 2023-11-04.

Conditions:
Retinitis pigmentosa 39 (RP39). Identifiers: Orphanet 791, MedGen C3151138, MONDO:0013436, OMIM 613809.
Usher syndrome type 2A. Also called: RETINAL DISEASE IN USHER SYNDROME TYPE IIA, MODIFIER OF; USHER SYNDROME, TYPE IIA. Identifiers: Orphanet 231178, Orphanet 886, MedGen C1848634, MONDO:0010169, OMIM 276901.

Allele frequency attached by ClinVar (database versions not stated): ExAC 0.00001.
gnomAD v4.1: 8 of 1,613,788 alleles (0.0005%); highest among the groups gnomAD compares: Admixed American, 0.01%; no homozygotes.

Submissions (4):

Genome-Nilou Lab
Classification: Uncertain significance for Retinitis pigmentosa 39. Last evaluated: 2023-11-04. Review status: criteria provided, single submitter. Criteria: ACMG Guidelines, 2015. Collection method: clinical testing. Allele origin: germline. Affected: no.

Genome-Nilou Lab
Classification: Uncertain significance for Usher syndrome type 2A. Last evaluated: 2023-11-04. Review status: criteria provided, single submitter. Criteria: ACMG Guidelines, 2015. Collection method: clinical testing. Allele origin: germline. Affected: no.

GeneDx
Classification: Uncertain significance. Last evaluated: 2023-08-03. Review status: criteria provided, single submitter. Criteria: GeneDx Variant Classification Process June 2021. Collection method: clinical testing. Allele origin: germline. Affected: yes.
Comment: Not observed at significant frequency in large population cohorts (gnomAD); In silico analysis supports that this missense variant does not alter protein structure/function; Has not been previously published as pathogenic or benign to our knowledge

Labcorp Genetics (formerly Invitae), Labcorp
Classification: Uncertain significance. Last evaluated: 2021-08-24. Review status: criteria provided, single submitter. Criteria: Invitae Variant Classification Sherloc (09022015). Collection method: clinical testing. Allele origin: germline.
Comment: This sequence change replaces tyrosine with phenylalanine at codon 1909 of the USH2A protein (p.Tyr1909Phe). The tyrosine residue is highly conserved and there is a small physicochemical difference between tyrosine and phenylalanine. This variant is present in population databases (rs761586978, ExAC 0.002%). This variant has not been reported in the literature in individuals affected with USH2A-related conditions. Algorithms developed to predict the effect of missense changes on protein structure and function output the following: SIFT: "Deleterious"; PolyPhen-2: "Benign"; Align-GVGD: "Class C15". The phenylalanine amino acid residue is found in multiple mammalian species, which suggests that this missense change does not adversely affect protein function. In summary, the available evidence is currently insufficient to determine the role of this variant in disease. Therefore, it has been classified as a Variant of Uncertain Significance.